The following is an entry in ClinVar:

NM_006929.5(SKIC2):c.731C>T (p.Ala244Val)

Gene: SKIC2 (SKI2 subunit of superkiller complex; plus strand). Cytogenetic location: 6p21.33.
Variant type: single nucleotide variant.
Coding change: c.731C>T on transcript NM_006929.5 (MANE Select); coding-DNA position 731, C replaced by T.
Protein change: p.Ala244Val; replaces alanine 244 with valine.
Molecular consequence: missense variant.
Genome position (GRCh38, 1-based): chr6:31,961,328, C>T. VCF-style: chr6-31961328-C-T. GRCh37 (hg19) VCF-style: chr6-31929105-C-T.
Other names: short protein forms A244V.
Identifiers: ClinVar variation 2110472 (VCV002110472.4), dbSNP rs1188746994, ClinGen allele CA363444554.

ClinVar aggregate classification (germline): Uncertain significance (1 of 4 stars; one submission).

Submission:

Labcorp Genetics (formerly Invitae), Labcorp
Classification: Uncertain significance. Last evaluated: 2022-03-12. Review status: criteria provided, single submitter. Criteria: Invitae Variant Classification Sherloc (09022015). Collection method: clinical testing. Allele origin: germline.
Comment: Algorithms developed to predict the effect of missense changes on protein structure and function output the following: SIFT: "Tolerated"; PolyPhen-2: "Benign"; Align-GVGD: "Class C0". The valine amino acid residue is found in multiple mammalian species, which suggests that this missense change does not adversely affect protein function. This variant has not been reported in the literature in individuals affected with SKIV2L-related conditions. In summary, the available evidence is currently insufficient to determine the role of this variant in disease. Therefore, it has been classified as a Variant of Uncertain Significance. This sequence change replaces alanine, which is neutral and non-polar, with valine, which is neutral and non-polar, at codon 244 of the SKIV2L protein (p.Ala244Val). This variant is not present in population databases (gnomAD no frequency).